The following is an entry in ClinVar:

NM_000321.3(RB1):c.1105del (p.Ile369fs)

Gene: RB1 (RB transcriptional corepressor 1; plus strand). Cytogenetic location: 13q14.2.
Variant type: Deletion.
Coding change: c.1105del on transcript NM_000321.3 (MANE Select); coding-DNA position 1105, one base deleted (A; older notation c.1105delA).
Protein change: p.Ile369fs; shifts the reading frame from isoleucine 369.
Molecular consequence: frameshift variant.
Genome position (GRCh38, 1-based): chr13:48,368,582, A deleted; the last of 2 consecutive A bases (chr13:48,368,581-48,368,582); deleting either gives the same sequence. VCF-style (leftmost placement, unchanged base first): chr13-48368580-TA-T. GRCh37 (hg19) VCF-style: chr13-48942716-TA-T.
Other names: c.1105delA, p.Ile369Phefs (NM_001407165.1, NM_001407166.1); short protein forms I369fs.
Identifiers: ClinVar variation 1793578 (VCV001793578.2), dbSNP rs2542189936, ClinGen allele CA2580087581.

ClinVar aggregate classification (germline): Pathogenic (1 of 4 stars; one submission).

Conditions:
Hereditary cancer-predisposing syndrome. Also called: Tumor predisposition; Hereditary Cancer Syndrome; Neoplastic Syndromes, Hereditary; Hereditary neoplastic syndrome. Identifiers: Orphanet 140162, MedGen C0027672, MeSH D009386, MONDO:0015356.

Submission:

Ambry Genetics
Classification: Pathogenic for Hereditary cancer-predisposing syndrome. Last evaluated: 2022-03-14. Review status: criteria provided, single submitter. Criteria: Ambry Variant Classification Scheme 2023. Collection method: clinical testing. Allele origin: germline.
Comment: The c.1105delA pathogenic mutation, located in coding exon 11 of the RB1 gene, results from a deletion of one nucleotide at nucleotide position 1105, causing a translational frameshift with a predicted alternate stop codon (p.I369Ffs*11). This alteration has been observed in at least one individual with a personal and/or family history that is consistent with RB1-related disease (Ambry internal data). This variant is considered to be rare based on population cohorts in the Genome Aggregation Database (gnomAD). This alteration is expected to result in loss of function by premature protein truncation or nonsense-mediated mRNA decay. As such, this alteration is interpreted as a disease-causing mutation.